The following is an entry in ClinVar:

ClinVar aggregate classification (germline): Pathogenic (1 of 4 stars; one submission).

Allele frequency attached by ClinVar (database versions not stated): gnomAD exomes 0.00001 and 0.00002; TOPMed 0.00001; gnomAD 0.00002.

Submission:

GeneDx
Classification: Pathogenic. Last evaluated: 2024-06-04. Review status: criteria provided, single submitter. Criteria: GeneDx Variant Classification Process June 2021. Collection method: clinical testing. Allele origin: germline. Affected: yes.
Comment: Nonsense variant in the C-terminus predicted to result in protein truncation, as the last 1992 amino acids are lost, and other loss-of-function variants have been reported downstream in HGMD; Has not been previously published as pathogenic or benign to our knowledge

NM_002016.2(FLG):c.6208C>T (p.Gln2070Ter)

Genes: CCDST (cervical cancer associated DHX9 suppressive transcript; plus strand), FLG (filaggrin; minus strand). Cytogenetic location: 1q21.3.
Variant type: single nucleotide variant.
Coding change: c.6208C>T on transcript NM_002016.2 (MANE Select); coding-DNA position 6208, C replaced by T.
Protein change: p.Gln2070Ter; replaces glutamine 2070 with a stop codon.
Molecular consequence: nonsense.
Genome position (GRCh38, 1-based): chr1:152,308,678, G>A on the plus strand (C>T on the coding strand, the complement: FLG is on the minus strand). VCF-style: chr1-152308678-G-A. GRCh37 (hg19) VCF-style: chr1-152281154-G-A.
Other names: short protein forms Q2070*.
Identifiers: ClinVar variation 620308 (VCV000620308.4), dbSNP rs1423603720, ClinGen allele CA342055344.